The following is an entry in ClinVar:

NM_001330078.2(NRXN1):c.1391A>G (p.Lys464Arg)

Gene: NRXN1 (neurexin 1; minus strand). Cytogenetic location: 2p16.3.
Variant type: single nucleotide variant.
Coding change: c.1391A>G on transcript NM_001330078.2 (MANE Select); coding-DNA position 1391, A replaced by G.
Protein change: p.Lys464Arg; replaces lysine 464 with arginine.
Molecular consequence: missense variant.
Genome position (GRCh38, 1-based): chr2:50,552,955, T>C on the plus strand (A>G on the coding strand, the complement: NRXN1 is on the minus strand). VCF-style: chr2-50552955-T-C. GRCh37 (hg19) VCF-style: chr2-50780093-T-C.
Other names: c.1367A>G, p.Lys456Arg (NM_001330082.2, NM_001330095.2, NM_001330077.2); c.1352A>G, p.Lys451Arg (NM_001330083.2, NM_001330084.2); c.1391A>G, p.Lys464Arg (NM_001330085.2, NM_001330086.2, NM_004801.6); c.1307A>G, p.Lys436Arg (NM_001330087.2, NM_001330096.2); c.1337A>G, p.Lys446Arg (NM_001330088.2); c.1388A>G, p.Lys463Arg (NM_001330093.2); c.1379A>G, p.Lys460Arg (NM_001330094.2); c.1511A>G, p.Lys504Arg (NM_001135659.3); short protein forms K451R, K463R, K446R, K460R, K464R, K504R, K436R, K456R.
Identifiers: ClinVar variation 2841645 (VCV002841645.3), dbSNP rs2465830569, ClinGen allele CA346774303.

ClinVar aggregate classification (germline): Uncertain significance (1 of 4 stars; one submission).

Conditions:
Pitt-Hopkins-like syndrome 2 (PTHSL2). Identifiers: Orphanet 221150, Orphanet 600663, MedGen C3280479, MONDO:0013690, OMIM 614325.

Submission:

Labcorp Genetics (formerly Invitae), Labcorp
Classification: Uncertain significance for Pitt-Hopkins-like syndrome 2. Last evaluated: 2023-03-09. Review status: criteria provided, single submitter. Criteria: Invitae Variant Classification Sherloc (09022015). Collection method: clinical testing. Allele origin: germline.
Comment: An algorithm developed to predict the effect of missense changes on protein structure and function (PolyPhen-2) suggests that this variant is likely to be tolerated. This variant has not been reported in the literature in individuals affected with NRXN1-related conditions. This variant is not present in population databases (gnomAD no frequency). This sequence change replaces lysine, which is basic and polar, with arginine, which is basic and polar, at codon 504 of the NRXN1 protein (p.Lys504Arg). In summary, the available evidence is currently insufficient to determine the role of this variant in disease. Therefore, it has been classified as a Variant of Uncertain Significance.